The following is an entry in ClinVar:

ClinVar aggregate classification (germline): Uncertain significance (1 of 4 stars; one submission).

Allele frequency attached by ClinVar (database versions not stated): gnomAD exomes below 0.00001; TOPMed below 0.00001; ExAC 0.00001.

Submission:

Labcorp Genetics (formerly Invitae), Labcorp
Classification: Uncertain significance. Last evaluated: 2021-09-15. Review status: criteria provided, single submitter. Criteria: Invitae Variant Classification Sherloc (09022015). Collection method: clinical testing. Allele origin: germline.
Comment: In summary, the available evidence is currently insufficient to determine the role of this variant in disease. Therefore, it has been classified as a Variant of Uncertain Significance. Algorithms developed to predict the effect of missense changes on protein structure and function (SIFT, PolyPhen-2, Align-GVGD) all suggest that this variant is likely to be disruptive. This variant has not been reported in the literature in individuals affected with SORL1-related conditions. This variant is present in population databases (rs772678694, ExAC 0.002%). This sequence change replaces leucine with arginine at codon 613 of the SORL1 protein (p.Leu613Arg). The leucine residue is highly conserved and there is a moderate physicochemical difference between leucine and arginine.

NM_003105.6(SORL1):c.1838T>G (p.Leu613Arg)

Gene: SORL1 (sortilin related receptor 1; plus strand). Cytogenetic location: 11q24.1.
Variant type: single nucleotide variant.
Coding change: c.1838T>G on transcript NM_003105.6 (MANE Select); coding-DNA position 1838, T replaced by G.
Protein change: p.Leu613Arg; replaces leucine 613 with arginine.
Molecular consequence: missense variant.
Genome position (GRCh38, 1-based): chr11:121,543,700, T>G. VCF-style: chr11-121543700-T-G. GRCh37 (hg19) VCF-style: chr11-121414409-T-G.
Other names: short protein forms L613R.
Identifiers: ClinVar variation 1504913 (VCV001504913.6), dbSNP rs772678694, ClinGen allele CA6328744.